The following is an entry in ClinVar:

ClinVar aggregate classification (germline): Pathogenic/Likely pathogenic. Review status: criteria provided, multiple submitters, no conflicts (2 of 4 stars). 2 submissions from 2 submitters: Pathogenic (1); Likely pathogenic (1). Last evaluated 2023-08-28.

Conditions:
Androgen resistance syndrome (AIS). Also called: Androgen insensitivity, complete; Androgen insensitivity syndrome due to coactivator deficiency; Androgen insensitivity syndrome; Androgen insensitivity; ANDROGEN RECEPTOR DEFICIENCY; DIHYDROTESTOSTERONE RECEPTOR DEFICIENCY. Identifiers: Orphanet 754, Orphanet 99429, MedGen C0039585, MONDO:0019154, OMIM 300068. Disease mechanism: loss of function.
Kennedy disease (SMAX1). Also called: Spinal and Bulbar Muscular Atrophy; SPINAL AND BULBAR MUSCULAR ATROPHY, X-LINKED 1; KENNEDY SPINAL AND BULBAR MUSCULAR ATROPHY. Identifiers: Orphanet 481, MedGen C1839259, MONDO:0010735, OMIM 313200.

Submissions (2):

GeneDx
Classification: Pathogenic. Last evaluated: 2023-08-28. Review status: criteria provided, single submitter. Criteria: GeneDx Variant Classification Process June 2021. Collection method: clinical testing. Allele origin: germline. Affected: yes.
Comment: Missense variants in this gene are often considered pathogenic (HGMD); Not observed at significant frequency in large population cohorts (gnomAD); In silico analysis supports that this missense variant has a deleterious effect on protein structure/function; This variant is associated with the following publications: (PMID: 34689141, 36917969, 10840043, 8723113, 20333878, Dung2013[paper], Dung2021[paper], 27899157, 29051026)

Labcorp Genetics (formerly Invitae), Labcorp
Classification: Likely pathogenic for Kennedy disease; Androgen resistance syndrome. Last evaluated: 2018-08-21. Review status: criteria provided, single submitter. Criteria: Invitae Variant Classification Sherloc (09022015). Collection method: clinical testing. Allele origin: germline.
Comment: In summary, the currently available evidence indicates that the variant is pathogenic, but additional data are needed to prove that conclusively. Therefore, this variant has been classified as Likely Pathogenic. Algorithms developed to predict the effect of missense changes on protein structure and function are either unavailable or do not agree on the potential impact of this missense change (SIFT: "Deleterious"; PolyPhen-2: "Probably Damaging"; Align-GVGD: "Class C0"). This variant has been observed in several individuals affected with androgen insensitivity syndrome (PMID: 8723113, 27899157, 29051026). This variant has also been reported as p.Val746Met. This variant is not present in population databases (ExAC no frequency). This sequence change replaces valine with methionine at codon 747 of the AR protein (p.Val747Met). The valine residue is moderately conserved and there is a small physicochemical difference between valine and methionine.

Literature cited by the submitters: PubMed 8723113 (cited by Labcorp Genetics (formerly Invitae), Labcorp); PubMed 27899157 (cited by Labcorp Genetics (formerly Invitae), Labcorp); PubMed 29051026 (cited by Labcorp Genetics (formerly Invitae), Labcorp).

NM_000044.6(AR):c.2239G>A (p.Val747Met)

Gene: AR (androgen receptor; plus strand). Cytogenetic location: Xq12.
Variant type: single nucleotide variant.
Coding change: c.2239G>A on transcript NM_000044.6 (MANE Select); coding-DNA position 2239, G replaced by A.
Protein change: p.Val747Met; replaces valine 747 with methionine.
Molecular consequence: missense variant.
Genome position (GRCh38, 1-based): chrX:67,717,543, G>A. VCF-style: chrX-67717543-G-A. GRCh37 (hg19) VCF-style: chrX-66937385-G-A.
Other names: c.643G>A, p.Val215Met (NM_001011645.3); c.2239G>A (NM_000044.2); short protein forms V215M, V747M.
Identifiers: ClinVar variation 658947 (VCV000658947.9), dbSNP rs1602276233, ClinGen allele CA413424598.